The following is an entry in ClinVar:

ClinVar aggregate classification (germline): Uncertain significance (1 of 4 stars; one submission).

gnomAD v4.1: 22 of 1,537,888 alleles (0.0014%); highest among the groups gnomAD compares: Admixed American, 0.0021%; no homozygotes.

Submission:

Labcorp Genetics (formerly Invitae), Labcorp
Classification: Uncertain significance. Last evaluated: 2025-09-21. Review status: criteria provided, single submitter. Criteria: Invitae Variant Classification Sherloc (09022015). Collection method: clinical testing. Allele origin: germline.
Comment: This sequence change falls in intron 19 of the BUB1 gene. It does not directly change the encoded amino acid sequence of the BUB1 protein. This variant is present in population databases (rs762664403, gnomAD 0.001%). This variant has not been reported in the literature in individuals affected with BUB1-related conditions. ClinVar contains an entry for this variant (Variation ID: 3631514). Algorithms developed to predict the effect of sequence changes on RNA splicing suggest that this variant may disrupt the consensus splice site. In summary, the available evidence is currently insufficient to determine the role of this variant in disease. Therefore, it has been classified as a Variant of Uncertain Significance.

NM_004336.5(BUB1):c.2348-13A>G

Gene: BUB1 (BUB1 mitotic checkpoint serine/threonine kinase; minus strand). Cytogenetic location: 2q13.
Variant type: single nucleotide variant.
Coding change: c.2348-13A>G on transcript NM_004336.5 (MANE Select); 13 bases into the intron before coding-DNA position 2348, A replaced by G.
Molecular consequence: intron variant.
Genome position (GRCh38, 1-based): chr2:110,642,247, T>C on the plus strand (A>G on the coding strand, the complement: BUB1 is on the minus strand). VCF-style: chr2-110642247-T-C. GRCh37 (hg19) VCF-style: chr2-111399824-T-C.
Other names: c.2288-13A>G (NM_001278616.2); c.2348-13A>G (NM_001278617.2).
Identifiers: ClinVar variation 3631514 (VCV003631514.2).